The following is an entry in ClinVar:

ClinVar aggregate classification (germline): Conflicting classifications of pathogenicity. Review status: criteria provided, conflicting classifications (1 of 4 stars). 7 submissions from 7 submitters: Uncertain significance (3); Likely benign (3). 1 of the submissions does not count toward it. Last evaluated 2025-12-30.

Conditions:
Hereditary breast ovarian cancer syndrome. Also called: Hereditary breast and ovarian cancer syndrome (HBOC); Breast and ovarian cancer; Hereditary breast and ovarian cancer syndrome; Hereditary breast and ovarian cancer; BRCA1- and BRCA2-Associated Hereditary Breast and Ovarian Cancer; Hereditary breast and/or ovarian cancer syndrome. Identifiers: Orphanet 145, MedGen C0677776, MeSH D061325, MONDO:0003582. Disease mechanism: loss of function.
Breast-ovarian cancer, familial, susceptibility to, 1 (BROVCA1). Also called: BRCA1 Hereditary Breast and Ovarian Cancer; OVARIAN CANCER, SUSCEPTIBILITY TO. Identifiers: Orphanet 145, MedGen C2676676, MONDO:0011450, OMIM 604370. Disease mechanism: loss of function.
Malignant tumor of breast. Also called: Malignant breast neoplasm; Cancer breast. Identifiers: MedGen C0006142, MONDO:0007254. Disease mechanism: loss of function.
Hereditary cancer-predisposing syndrome. Also called: Hereditary Cancer Syndrome; Neoplastic Syndromes, Hereditary; Hereditary neoplastic syndrome; Tumor predisposition. Identifiers: Orphanet 140162, MedGen C0027672, MeSH D009386, MONDO:0015356.

gnomAD v4.1: 1 of 1,613,942 alleles (0.000062%); highest among the groups gnomAD compares: Non-Finnish European, 0.000085%; no homozygotes.

Submissions (8):

Labcorp Genetics (formerly Invitae), Labcorp
Classification: Likely benign for Hereditary breast ovarian cancer syndrome. Last evaluated: 2025-12-30. Review status: criteria provided, single submitter. Criteria: Invitae Variant Classification Sherloc (09022015). Collection method: clinical testing. Allele origin: germline.

All of Us Research Program, National Institutes of Health
Classification: Uncertain significance for Breast-ovarian cancer, familial, susceptibility to, 1. Last evaluated: 2023-12-01. Review status: criteria provided, single submitter. Criteria: ACMG Guidelines, 2015. Collection method: clinical testing. Allele origin: germline. Inheritance: Autosomal dominant inheritance. Observed: 2 variant alleles, 2 heterozygotes.
Comment: This missense variant replaces proline with histidine at codon 1776 of the BRCA1 protein. Computational prediction is inconclusive regarding the impact of this variant on protein structure and function (internally defined REVEL score threshold 0.5 < inconclusive < 0.7, PMID: 27666373). Functional studies have reported that this variant does not impact BRCA1 function in a haploid cell proliferation assay and transcription activation, yeast colony size, homology-directed DNA repair and cisplatin resistance assays (PMID: 27272900, 29884841, 30209399, 35196514). This variant has been reported in at least two individuals affected with breast cancer (PMID: 18824701, 32885271) and it has been detected in a breast cancer case-control meta-analysis in 1/60466 cases and 0/53461 unaffected individuals (PMID: 33471991; Leiden Open Variation Database DB-ID BRCA1_000454). Multifactorial analyses using tumor pathology, functional studies and family history have reported this variant to be likely not associated with disease (PMID: 18824701, 21990134, 33087888). This variant has not been identified in the general population by the Genome Aggregation Database (gnomAD). The available evidence is insufficient to determine the role of this variant in disease conclusively. Therefore, this variant is classified as a Variant of Uncertain Significance.

This study involves interpretation of variants in research participants for the purpose of population health screening. Participant phenotype was not available at the time of variant classification. Additional details can be found in publication PMID: 35346344, PMCID: PMC8962531

Color Diagnostics, LLC DBA Color Health
Classification: Uncertain significance for Hereditary cancer-predisposing syndrome. Last evaluated: 2023-05-11. Review status: criteria provided, single submitter. Criteria: ACMG Guidelines, 2015. Collection method: clinical testing. Allele origin: germline.
Comment: This missense variant replaces proline with histidine at codon 1776 of the BRCA1 protein. Computational prediction is inconclusive regarding the impact of this variant on protein structure and function (internally defined REVEL score threshold 0.5 < inconclusive < 0.7, PMID: 27666373). Functional studies have reported that this variant does not impact BRCA1 function in a haploid cell proliferation assay and transcription activation, yeast colony size, homology-directed DNA repair and cisplatin resistance assays (PMID: 27272900, 29884841, 30209399, 35196514). This variant has been reported in at least two individuals affected with breast cancer (PMID: 18824701, 32885271) and it has been detected in a breast cancer case-control meta-analysis in 1/60466 cases and 0/53461 unaffected individuals (PMID: 33471991; Leiden Open Variation Database DB-ID BRCA1_000454). Multifactorial analyses using tumor pathology, functional studies and family history have reported this variant to be likely not associated with disease (PMID: 18824701, 21990134, 33087888). This variant has not been identified in the general population by the Genome Aggregation Database (gnomAD). The available evidence is insufficient to determine the role of this variant in disease conclusively. Therefore, this variant is classified as a Variant of Uncertain Significance.

Quest Diagnostics Nichols Institute San Juan Capistrano
Classification: Uncertain significance. Last evaluated: 2023-01-18. Review status: criteria provided, single submitter. Criteria: Quest Diagnostics criteria. Collection method: clinical testing. Allele origin: unknown.
Comment: It has not been reported in large, multi-ethnic general populations. In the published literature, the variant has been reported in a large breast cancer association study in one individual with breast cancer (PMID: 33471991 (2021)). In one functional study, the variant was reported as functional (PMID: 30209399 (2018)), and in another study the variant behaved similar to the wild type BRCA1 protein (PMID: 27272900 (2016)). In addition, published multifactorial analyses have reported inconclusive results (PMID: 18824701 (2008), 31131967 (2019)). Analysis of this variant using bioinformatics tools for the prediction of the effect of amino acid changes on protein structure and function yielded conflicting predictions that this variant is benign or damaging. Based on the available information, we are unable to determine the clinical significance of this variant.

Ambry Genetics
Classification: Likely benign for Hereditary cancer-predisposing syndrome. Last evaluated: 2021-03-23. Review status: criteria provided, single submitter. Criteria: Ambry Variant Classification Scheme 2023. Collection method: clinical testing. Allele origin: germline.

GeneDx
Classification: Likely benign. Last evaluated: 2017-08-29. Review status: criteria provided, single submitter. Criteria: GeneDx Variant Classification (06012015). Collection method: clinical testing. Allele origin: germline. Affected: yes.
Comment: This variant is considered likely benign or benign based on one or more of the following criteria: it is a conservative change, it occurs at a poorly conserved position in the protein, it is predicted to be benign by multiple in silico algorithms, and/or has population frequency not consistent with disease.

Brotman Baty Institute, University of Washington
No classification provided (evidence only). Condition: Breast-ovarian cancer, familial 1. Review status: no classification provided. Collection method: in vitro. Allele origin: not applicable. Functional consequence: functionally_normal. Not counted in ClinVar's aggregate classification.
ClinVar note: "not provided" was previously submitted as the classification for the variant. However, the classification appeared to be based only on an observation of functional data so it was converted to no classification on 2025-07-30.

Department of Pathology and Laboratory Medicine, Sinai Health System
Classification: Uncertain significance for Malignant tumor of breast. Review status: no assertion criteria provided. Collection method: clinical testing. Allele origin: unknown. Affected: yes. Study: The Canadian Open Genetics Repository (COGR). Not counted in ClinVar's aggregate classification.
Comment: The BRCA1 p.Pro1776His variant has been previously reported in the literature in several studies that use in silico models to assess the clinical significance of the variant (Lindor 2011, Rajasekaran 2007, Williams 2003), however, these studies had conflicting results and this information was not very predictive of pathogenicity. The variant was also identified in dbSNP (ID: rs398122695) as "With Uncertain significance, other allele ", in ClinVar (classified as likely benign by GeneDx; as uncertain significance by Ambry Genetics), LOVD 3.0, and ARUP Laboratories (likely not pathogenic or of little clinical significance). The variant was not identified in Cosmic, MutDB, UMD-LSDB, BIC Database, and Zhejiang University databases. The variant was identified in control databases in 1 of 246152 chromosomes at a frequency of 0.000004 (Genome Aggregation Database Feb 27, 2017). The variant was observed in African population in 1 of 15280 chromosomes (freq: 0.00007), while the variant was not observed in the Ashkenazi Jewish, East Asian, Finnish, European, Latino, Other, and South Asian populations. The p.Pro1776 residue is not conserved in mammals and computational analyses (PolyPhen-2, SIFT, AlignGVGD, MutationTaster) provide inconsistent predictions regarding the impact to the protein; this information is not very predictive of pathogenicity. The variant occurs outside of the splicing consensus sequence and 3 of 5 in silico or computational prediction software programs (SpliceSiteFinder, MaxEntScan, NNSPLICE, GeneSplicer, HumanSpliceFinder) predict a greater than 10% difference in splicing. However, this information is not predictive enough to assume pathogenicity. In addition, the functional assessment of genetic variants by Thouvenot (2016) in a colony size assay identified the probability of pathogenicity of the p.Pro1776His variant is 0.00475, and classified the variant as likely neutral. In summary, based on the above information the clinical significance of this variant cannot be determined with certainty at this time. This variant is classified as a variant of uncertain significance.

Literature cited by the submitters: PubMed 18824701 (cited by 3 submitters); PubMed 21990134 (cited by All of Us Research Program, National Institutes of Health and Color Diagnostics, LLC DBA Color Health); PubMed 27272900 (cited by 4 submitters); PubMed 29884841 (cited by All of Us Research Program, National Institutes of Health and Color Diagnostics, LLC DBA Color Health); PubMed 30209399 (cited by 4 submitters); PubMed 32885271 (cited by All of Us Research Program, National Institutes of Health and Color Diagnostics, LLC DBA Color Health); PubMed 33087888 (cited by All of Us Research Program, National Institutes of Health and Color Diagnostics, LLC DBA Color Health); PubMed 33471991 (cited by 3 submitters); PubMed 35196514 (cited by All of Us Research Program, National Institutes of Health and Color Diagnostics, LLC DBA Color Health); PubMed 28781887 (cited by Quest Diagnostics Nichols Institute San Juan Capistrano and Ambry Genetics); PubMed 31131967 (cited by Quest Diagnostics Nichols Institute San Juan Capistrano).

NM_007294.4(BRCA1):c.5327C>A (p.Pro1776His)

Gene: BRCA1 (BRCA1 DNA repair associated; minus strand). Cytogenetic location: 17q21.31.
Variant type: single nucleotide variant.
Coding change: c.5327C>A on transcript NM_007294.4 (MANE Select); coding-DNA position 5327, C replaced by A.
Protein change: p.Pro1776His; replaces proline 1776 with histidine.
Molecular consequence: missense variant. On other transcripts: non-coding transcript variant (1).
Genome position (GRCh38, 1-based): chr17:43,051,068, G>T on the plus strand (C>A on the coding strand, the complement: BRCA1 is on the minus strand). VCF-style: chr17-43051068-G-T. GRCh37 (hg19) VCF-style: chr17-41203085-G-T.
Other names: c.2018C>A, p.Pro673His (NM_001407976.1, NM_001407977.1, NM_001407978.1 and 3 more transcripts); c.2015C>A, p.Pro672His (NM_001407979.1, NM_001407980.1, NM_001407981.1 and 13 more transcripts); c.2012C>A, p.Pro671His (NM_001408398.1, NM_001408399.1, NM_001408400.1 and 8 more transcripts); c.2009C>A, p.Pro670His (NM_001408406.1, NM_001408407.1, NM_001408408.1); c.1901C>A, p.Pro634His (NM_001408419.1, NM_001408420.1, NM_001408418.1); c.1898C>A, p.Pro633His (NM_001408421.1, NM_001408422.1, NM_001408423.1 and 1 more transcripts); c.1895C>A, p.Pro632His (NM_001408425.1, NM_001408426.1, NM_001408427.1 and 4 more transcripts); c.1892C>A, p.Pro631His (NM_001408438.1, NM_001408439.1, NM_001408440.1 and 10 more transcripts); and 72 more; short protein forms P1776H, P672H, P1797H, P1729H, P1622H, P1648H, P1649H, P1663H.
Identifiers: ClinVar variation 246175 (VCV000246175.23), dbSNP rs398122695, ClinGen allele CA10584546.
Genomic context (GRCh38, chr17:43,051,068, plus strand): 5'-CACTATGTAAGACAAAGGCTGGTGCTGGAACTCTGGGGTTCTCCCAGGCTCTTACCTGTG[G>T]GCATGTTGGTGAAGGGCCCATAGCAACAGATTTCTAGCCCCCTGAAGATCTGGAAGAAGA-3'
Protein context (NP_009225.1, residues 1766-1786): ICCYGPFTNM[Pro1776His]TDQLEWMVQL